The following is an entry in ClinVar:

NM_000455.5(STK11):c.827del (p.Gly276fs)

Gene: STK11 (serine/threonine kinase 11; plus strand). Cytogenetic location: 19p13.3.
Variant type: Deletion.
Coding change: c.827del on transcript NM_000455.5 (MANE Select); coding-DNA position 827, one base deleted (G; older notation c.827delG).
Protein change: p.Gly276fs; shifts the reading frame from glycine 276.
Molecular consequence: frameshift variant.
Genome position (GRCh38, 1-based): chr19:1,221,305, G deleted; the last of 3 consecutive G bases (chr19:1,221,303-1,221,305); deleting any one gives the same sequence. VCF-style (leftmost placement, unchanged base first): chr19-1221302-CG-C. GRCh37 (hg19) VCF-style: chr19-1221301-CG-C.
Other names: c.827delG, p.Gly276Alafs (NM_001407255.1); short protein forms G276fs.
Identifiers: ClinVar variation 1762723 (VCV001762723.2), dbSNP rs2512945308, ClinGen allele CA504707259.
Genomic context (GRCh38, chr19:1,221,302, plus strand): 5'-TCGAAGGGGACAACATCTACAAGTTGTTTGAGAACATCGGGAAGGGGAGCTACGCCATCC[CG>C]GGCGACTGTGGCCCCCCGCTCTCTGACCTGCTGAAAGGTGGGAGCCTCATCCCTCTGCCC-3'

ClinVar aggregate classification (germline): Pathogenic (1 of 4 stars; one submission).

Conditions:
Hereditary cancer-predisposing syndrome. Also called: Neoplastic Syndromes, Hereditary; Tumor predisposition; Hereditary Cancer Syndrome; Hereditary neoplastic syndrome. Identifiers: Orphanet 140162, MedGen C0027672, MeSH D009386, MONDO:0015356.

Submission:

Ambry Genetics
Classification: Pathogenic for Hereditary cancer-predisposing syndrome. Last evaluated: 2021-09-03. Review status: criteria provided, single submitter. Criteria: Ambry Variant Classification Scheme 2023. Collection method: clinical testing. Allele origin: germline.
Comment: The c.827delG pathogenic mutation, located in coding exon 6 of the STK11 gene, results from a deletion of one nucleotide at nucleotide position 827, causing a translational frameshift with a predicted alternate stop codon (p.G276Afs*11). This variant has been detected as a de novo finding in a child clinically diagnosed with Peutz-Jeghers syndrome (Yoo JH et al. BMC Med Genet. 2008 May;9:44). This variant is considered to be rare based on population cohorts in the Genome Aggregation Database (gnomAD). In addition to the clinical data presented in the literature, this alteration is expected to result in loss of function by premature protein truncation or nonsense-mediated mRNA decay. As such, this alteration is interpreted as a disease-causing mutation.

Literature cited by the submitters: PubMed 18495044.